The following is an entry in ClinVar:

ClinVar aggregate classification (germline): Pathogenic. Review status: criteria provided, multiple submitters, no conflicts (2 of 4 stars). 2 submissions from 2 submitters: Pathogenic (2). Last evaluated 2026-01-28.

Conditions:
Ataxia-telangiectasia syndrome (AT). Also called: Ataxia-telangiectasia, complementation group E; LOUIS-BAR SYNDROME; Ataxia-telangiectasia, complementation group D; AT, COMPLEMENTATION GROUP C; Ataxia-telangiectasia; Cerebello-oculocutaneous telangiectasia. Identifiers: Orphanet 100, MedGen C0004135, MONDO:0008840, OMIM 208900.
Hereditary cancer-predisposing syndrome. Also called: Hereditary Cancer Syndrome; Hereditary neoplastic syndrome; Tumor predisposition; Neoplastic Syndromes, Hereditary. Identifiers: Orphanet 140162, MedGen C0027672, MeSH D009386, MONDO:0015356.

Submissions (2):

Labcorp Genetics (formerly Invitae), Labcorp
Classification: Pathogenic for Ataxia-telangiectasia syndrome. Last evaluated: 2026-01-28. Review status: criteria provided, single submitter. Criteria: Invitae Variant Classification Sherloc (09022015). Collection method: clinical testing. Allele origin: germline.
Comment: This sequence change creates a premature translational stop signal (p.Ser324Argfs*3) in the ATM gene. It is expected to result in an absent or disrupted protein product. Loss-of-function variants in ATM are known to be pathogenic (PMID: 23807571, 25614872). This variant is not present in population databases (gnomAD no frequency). This premature translational stop signal has been observed in individual(s) with ataxia-telangiectasia (PMID: 21665257). ClinVar contains an entry for this variant (Variation ID: 1456149). For these reasons, this variant has been classified as Pathogenic.

Ambry Genetics
Classification: Pathogenic for Hereditary cancer-predisposing syndrome. Last evaluated: 2020-06-25. Review status: criteria provided, single submitter. Criteria: Ambry Variant Classification Scheme 2023. Collection method: clinical testing. Allele origin: germline.
Comment: The c.972_979delTCATATAG pathogenic mutation, located in coding exon 7 of the ATM gene, results from a deletion of 8 nucleotides at nucleotide positions 972 to 979, causing a translational frameshift with a predicted alternate stop codon (p.S324Rfs*3). This alteration is expected to result in loss of function by premature protein truncation or nonsense-mediated mRNA decay. As such, this alteration is interpreted as a disease-causing mutation.

Literature cited by the submitters: PubMed 23807571 (cited by Labcorp Genetics (formerly Invitae), Labcorp); PubMed 25614872 (cited by Labcorp Genetics (formerly Invitae), Labcorp); PubMed 21665257 (cited by Labcorp Genetics (formerly Invitae), Labcorp).

NM_000051.4(ATM):c.972_979del (p.Ser324fs)

Gene: ATM (ATM serine/threonine kinase; plus strand). Cytogenetic location: 11q22.3.
Variant type: Deletion.
Coding change: c.972_979del on transcript NM_000051.4 (MANE Select); coding-DNA positions 972 to 979, 8 bases deleted (TCATATAG; older notation c.972_979delTCATATAG).
Protein change: p.Ser324fs; shifts the reading frame from serine 324.
Molecular consequence: frameshift variant.
Genome position (GRCh38, 1-based): chr11:108,247,034-108,247,041, TCATATAG deleted; deleting any 8 consecutive bases within chr11:108,247,032-108,247,041 gives the same sequence; the c. name uses the placement nearest the transcript's 3' end. VCF-style (leftmost placement, unchanged base first): chr11-108247031-AAGTCATAT-A. GRCh37 (hg19) VCF-style: chr11-108117758-AAGTCATAT-A.
Other names: c.972_979del, p.Ser324fs (NM_001351834.2); short protein forms S324fs.
Identifiers: ClinVar variation 1456149 (VCV001456149.10), dbSNP rs2135266573, ClinGen allele CA2573146409.